The following is an entry in ClinVar:

NM_001854.4(COL11A1):c.5119C>T (p.Arg1707Trp)

Genes: COL11A1 (collagen type XI alpha 1 chain; minus strand), LOC126805814 (P300/CBP strongly-dependent group 1 enhancer GRCh37_chr1:103344928-103346127; plus strand). Cytogenetic location: 1p21.1.
Variant type: single nucleotide variant.
Coding change: c.5119C>T on transcript NM_001854.4 (MANE Select); coding-DNA position 5119, C replaced by T.
Protein change: p.Arg1707Trp; replaces arginine 1707 with tryptophan.
Molecular consequence: missense variant. On other transcripts: non-coding transcript variant (1).
Genome position (GRCh38, 1-based): chr1:102,879,838, G>A on the plus strand (C>T on the coding strand, the complement: COL11A1 is on the minus strand). VCF-style: chr1-102879838-G-A. GRCh37 (hg19) VCF-style: chr1-103345394-G-A.
Other names: c.5002C>T, p.Arg1668Trp (NM_001190709.2); c.5155C>T, p.Arg1719Trp (NM_080629.3); c.4771C>T, p.Arg1591Trp (NM_080630.4); short protein forms R1719W, R1707W, R1668W, R1591W.
Identifiers: ClinVar variation 1369352 (VCV001369352.8), dbSNP rs757608461, ClinGen allele CA973299.
Genomic context (GRCh38, chr1:102,879,838, plus strand): 5'-TTCCTGATGACACATCATACCAGGCTGCTGACTGATGACAGTGGTAGGTGAAATTTTGCC[G>A]AGCAGAGGCAGTCAGAAGTTTCAGGAATGTCATTTGCACCATATTGATGGAATTTCCTTC-3'
Protein context (NP_001845.3, residues 1697-1717): TFLKLLTASA[Arg1707Trp]QNFTYHCHQS

ClinVar aggregate classification (germline): Conflicting classifications of pathogenicity. Review status: criteria provided, conflicting classifications (1 of 4 stars). 3 submissions from 3 submitters: Uncertain significance (2); Benign (1). Last evaluated 2026-01-27.

Conditions:
Inborn genetic diseases. Identifiers: MedGen C0950123, MeSH D030342.

Allele frequency attached by ClinVar (database versions not stated): gnomAD 0.00003 and 0.00005; gnomAD exomes 0.00005; ExAC 0.00007.
gnomAD v4.1: 109 of 1,613,822 alleles (0.0068%); highest among the groups gnomAD compares: East Asian, 0.2%; no homozygotes.

Submissions (3):

Labcorp Genetics (formerly Invitae), Labcorp
Classification: Benign. Last evaluated: 2026-01-27. Review status: criteria provided, single submitter. Criteria: Invitae Variant Classification Sherloc (09022015). Collection method: clinical testing. Allele origin: germline.

Ambry Genetics
Classification: Uncertain significance for Inborn genetic diseases. Last evaluated: 2022-08-17. Review status: criteria provided, single submitter. Criteria: Ambry Variant Classification Scheme 2023. Collection method: clinical testing. Allele origin: germline.

GeneDx
Classification: Uncertain significance. Last evaluated: 2022-05-06. Review status: criteria provided, single submitter. Criteria: GeneDx Variant Classification Process June 2021. Collection method: clinical testing. Allele origin: germline. Affected: yes.
Comment: In silico analysis supports that this missense variant has a deleterious effect on protein structure/function; Has not been previously published as pathogenic or benign in association with a COL11A1-related disorder to our knowledge; Not located in the triple helical region, where the majority of pathogenic missense variants occur (Acke et al., 2014; HGMD); This variant is associated with the following publications: (PMID: 25240749, 25268133)